The following is an entry in ClinVar:

NM_013319.3(UBIAD1):c.230G>A (p.Gly77Asp)

Gene: UBIAD1 (UbiA prenyltransferase domain containing 1; plus strand). Cytogenetic location: 1p36.22.
Variant type: single nucleotide variant.
Coding change: c.230G>A on transcript NM_013319.3 (MANE Select); coding-DNA position 230, G replaced by A.
Protein change: p.Gly77Asp; replaces glycine 77 with aspartic acid.
Molecular consequence: missense variant.
Genome position (GRCh38, 1-based): chr1:11,273,761, G>A. VCF-style: chr1-11273761-G-A. GRCh37 (hg19) VCF-style: chr1-11333818-G-A.
Other names: c.230G>A, p.Gly77Asp (NM_001330349.2, NM_001330350.2); short protein forms G77D.
Identifiers: ClinVar variation 874963 (VCV000874963.5), dbSNP rs201583978, ClinGen allele CA591110.

ClinVar aggregate classification (germline): Conflicting classifications of pathogenicity. Review status: criteria provided, conflicting classifications (1 of 4 stars). 2 submissions from 2 submitters: Uncertain significance (1); Likely benign (1). Last evaluated 2025-09-01.

Conditions:
Schnyder crystalline corneal dystrophy (SCCD). Also called: Crystalline corneal dystrophy; Schnyder corneal dystrophy. Identifiers: Orphanet 98967, MedGen C0271287, MONDO:0007374, OMIM 121800.

Allele frequency attached by ClinVar (database versions not stated): gnomAD exomes 0.00005 and 0.00002; ExAC 0.00005; ESP Exome Variant Server 0.00008; gnomAD 0.00003; TOPMed 0.00003.
gnomAD v4.1: 38 of 1,614,004 alleles (0.0024%); highest among the groups gnomAD compares: Non-Finnish European, 0.00051%; no homozygotes.

Submissions (2):

Ambry Genetics
Classification: Uncertain significance. Last evaluated: 2025-09-01. Review status: criteria provided, single submitter. Criteria: Ambry Variant Classification Scheme 2023. Collection method: clinical testing. Allele origin: germline.

Illumina Laboratory Services, Illumina
Classification: Likely benign for Schnyder crystalline corneal dystrophy. Last evaluated: 2018-01-12. Review status: criteria provided, single submitter. Criteria: ICSL Variant Classification Criteria 13 December 2019. Collection method: clinical testing. Allele origin: germline.
Comment: This variant was observed in the ICSL laboratory as part of a predisposition screen in an ostensibly healthy population. It had not been previously curated by ICSL or reported in the Human Gene Mutation Database (HGMD: prior to June 1st, 2018), and was therefore a candidate for classification through an automated scoring system. Utilizing variant allele frequency, disease prevalence and penetrance estimates, and inheritance mode, an automated score was calculated to assess if this variant is too frequent to cause the disease. Based on the score and internal cut-off values, a variant classified as likely benign is not then subjected to further curation. The score for this variant resulted in a classification of likely benign for this disease.